The following is an entry in ClinVar:

ClinVar aggregate classification (germline): Uncertain significance (1 of 4 stars; one submission).

Conditions:
Congenital insensitivity to pain-hypohidrosis syndrome. Also called: HSAN VIII; Neuropathy, hereditary sensory and autonomic, type VIII. Identifiers: Orphanet 478664, MedGen C4225308, MONDO:0014662, OMIM 616488.

Submission:

Labcorp Genetics (formerly Invitae), Labcorp
Classification: Uncertain significance for Congenital insensitivity to pain-hypohidrosis syndrome. Last evaluated: 2022-01-26. Review status: criteria provided, single submitter. Criteria: Invitae Variant Classification Sherloc (09022015). Collection method: clinical testing. Allele origin: germline.
Comment: This variant, c.992_1012dup, results in the insertion of 7 amino acid(s) of the PRDM12 protein (p.Gln331_Leu337dup), but otherwise preserves the integrity of the reading frame. This variant is not present in population databases (gnomAD no frequency). This variant has not been reported in the literature in individuals affected with PRDM12-related conditions. Experimental studies and prediction algorithms are not available or were not evaluated, and the functional significance of this variant is currently unknown. Algorithms developed to predict the effect of sequence changes on RNA splicing suggest that this variant may create or strengthen a splice site. In summary, the available evidence is currently insufficient to determine the role of this variant in disease. Therefore, it has been classified as a Variant of Uncertain Significance.

NM_021619.3(PRDM12):c.992_1012dup (p.Gln331_Leu337dup)

Gene: PRDM12 (PR/SET domain 12; plus strand). Cytogenetic location: 9q34.12.
Variant type: Duplication.
Coding change: c.992_1012dup on transcript NM_021619.3 (MANE Select); coding-DNA positions 992 to 1012, 21 bases duplicated (AGGCACACTCGCCCGCGCTGC).
Protein change: p.Gln331_Leu337dup.
Molecular consequence: inframe insertion.
Genome position (GRCh38, 1-based): chr9:130,681,557-130,681,577, AGGCACACTCGCCCGCGCTGC duplicated; duplicating any 21 consecutive bases within chr9:130,681,548-130,681,577 gives the same sequence; the c. name uses the placement nearest the transcript's 3' end. VCF-style (leftmost placement, unchanged base first): chr9-130681547-A-ACCGCGCTGCAGGCACACTCGC. GRCh37 (hg19) VCF-style: chr9-133556934-A-ACCGCGCTGCAGGCACACTCGC.
Identifiers: ClinVar variation 1376632 (VCV001376632.5), dbSNP rs1220406010, ClinGen allele CA860447824.